The following is an entry in ClinVar:

NM_004082.5(DCTN1):c.3335G>C (p.Ser1112Thr)

Gene: DCTN1 (dynactin subunit 1; minus strand). Cytogenetic location: 2p13.1.
Variant type: single nucleotide variant.
Coding change: c.3335G>C on transcript NM_004082.5 (MANE Select); coding-DNA position 3335, G replaced by C.
Protein change: p.Ser1112Thr; replaces serine 1112 with threonine.
Molecular consequence: missense variant. On other transcripts: non-coding transcript variant (1).
Genome position (GRCh38, 1-based): chr2:74,363,304, C>G on the plus strand (G>C on the coding strand, the complement: DCTN1 is on the minus strand). VCF-style: chr2-74363304-C-G. GRCh37 (hg19) VCF-style: chr2-74590431-C-G.
Other names: c.3260G>C, p.Ser1087Thr (NM_001135040.3); c.2918G>C, p.Ser973Thr (NM_001135041.3); c.3209G>C, p.Ser1070Thr (NM_001190836.2); c.3314G>C, p.Ser1105Thr (NM_001190837.2); c.3284G>C, p.Ser1095Thr (NM_001378991.1); c.3266G>C, p.Ser1089Thr (NM_001378992.1); c.2933G>C, p.Ser978Thr (NM_023019.4); short protein forms S1070T, S973T, S1087T, S1095T, S978T, S1105T, S1089T, S1112T.
Identifiers: ClinVar variation 2931186 (VCV002931186.3), dbSNP rs767781038, ClinGen allele CA347337502.

ClinVar aggregate classification (germline): Uncertain significance (1 of 4 stars; one submission).

Conditions:
Amyotrophic lateral sclerosis type 1 (ALS1). Also called: AMYOTROPHIC LATERAL SCLEROSIS 1, FAMILIAL. Identifiers: Orphanet 803, MedGen C1862939, MONDO:0007103, OMIM 105400.
Neuronopathy, distal hereditary motor, type 7B. Also called: NEURONOPATHY, DISTAL HEREDITARY MOTOR, AUTOSOMAL DOMINANT 14; NEURONOPATHY, DISTAL HEREDITARY MOTOR, HARDING TYPE VIIB; NEUROPATHY, DISTAL HEREDITARY MOTOR, HARDING TYPE VIIB; NEUROPATHY, DISTAL HEREDITARY MOTOR, WITH VOCAL CORD PARALYSIS, HARDING TYPE VIIB; Distal Hereditary Motor Neuronopathy Type 7B (dHMN7B); HMN VIIB. Identifiers: Orphanet 139589, MedGen C1843315, MONDO:0011879, OMIM 607641.
Perry syndrome. Also called: PARKINSONISM WITH ALVEOLAR HYPOVENTILATION AND MENTAL DEPRESSION. Identifiers: Orphanet 178509, MedGen C1868594, MONDO:0008201, OMIM 168605.

Allele frequency attached by ClinVar (database versions not stated): TOPMed below 0.00001.
gnomAD v4.1: 2 of 1,614,026 alleles (0.00012%); highest among the groups gnomAD compares: African/African-American, 0.0013%; no homozygotes.

Submission:

Labcorp Genetics (formerly Invitae), Labcorp
Classification: Uncertain significance for Amyotrophic lateral sclerosis type 1; Neuronopathy, distal hereditary motor, type 7B; Perry syndrome. Last evaluated: 2024-11-05. Review status: criteria provided, single submitter. Criteria: Invitae Variant Classification Sherloc (09022015). Collection method: clinical testing. Allele origin: germline.
Comment: This sequence change replaces serine, which is neutral and polar, with threonine, which is neutral and polar, at codon 1112 of the DCTN1 protein (p.Ser1112Thr). This variant is not present in population databases (gnomAD no frequency). This variant has not been reported in the literature in individuals affected with DCTN1-related conditions. ClinVar contains an entry for this variant (Variation ID: 2931186). Invitae Evidence Modeling of protein sequence and biophysical properties (such as structural, functional, and spatial information, amino acid conservation, physicochemical variation, residue mobility, and thermodynamic stability) indicates that this missense variant is not expected to disrupt DCTN1 protein function with a negative predictive value of 95%. In summary, the available evidence is currently insufficient to determine the role of this variant in disease. Therefore, it has been classified as a Variant of Uncertain Significance.